The following is an entry in ClinVar:

ClinVar aggregate classification (germline): Uncertain significance (1 of 4 stars; one submission).

Conditions:
Hereditary cancer-predisposing syndrome. Also called: Neoplastic Syndromes, Hereditary; Hereditary Cancer Syndrome; Tumor predisposition; Hereditary neoplastic syndrome. Identifiers: Orphanet 140162, MedGen C0027672, MeSH D009386, MONDO:0015356.

Submission:

Color Diagnostics, LLC DBA Color Health
Classification: Uncertain significance for Hereditary cancer-predisposing syndrome. Last evaluated: 2023-12-05. Review status: criteria provided, single submitter. Criteria: ACMG Guidelines, 2015. Collection method: clinical testing. Allele origin: germline.
Comment: This missense variant replaces arginine with serine at codon 2723 of the ATM protein. Computational prediction suggests that this variant may have deleterious impact on protein structure and function (internally defined REVEL score threshold >= 0.7, PMID: 27666373). To our knowledge, functional studies have not been reported for this variant. This variant has not been reported in individuals affected with ATM-related disorders in the literature. This variant has not been identified in the general population by the Genome Aggregation Database (gnomAD). The available evidence is insufficient to determine the role of this variant in disease conclusively. Therefore, this variant is classified as a Variant of Uncertain Significance.

NM_000051.4(ATM):c.8169A>T (p.Arg2723Ser)

Genes: ATM (ATM serine/threonine kinase; plus strand), C11orf65 (chromosome 11 open reading frame 65; minus strand). Cytogenetic location: 11q22.3.
Variant type: single nucleotide variant.
Coding change: c.8169A>T on transcript NM_000051.4 (MANE Select); coding-DNA position 8169, A replaced by T.
Protein change: p.Arg2723Ser; replaces arginine 2723 with serine.
Molecular consequence: missense variant. On other transcripts: intron variant (2).
Genome position (GRCh38, 1-based): chr11:108,335,862, A>T. VCF-style: chr11-108335862-A-T. GRCh37 (hg19) VCF-style: chr11-108206589-A-T.
Other names: c.8169A>T, p.Arg2723Ser (NM_001351834.2); c.641-26791T>A (NM_001330368.2); c.695-570T>A (NM_001351110.2); short protein forms R2723S.
Identifiers: ClinVar variation 489596 (VCV000489596.7), dbSNP rs780495319, ClinGen allele CA382562490.